The following is an entry in ClinVar:

NM_016616.5(NME8):c.198+1G>A

Gene: NME8 (NME/NM23 family member 8; plus strand). Cytogenetic location: 7p14.1.
Variant type: single nucleotide variant.
Coding change: c.198+1G>A on transcript NM_016616.5 (MANE Select); the canonical splice donor site of the intron after coding-DNA position 198, G replaced by A.
Molecular consequence: splice donor variant.
Genome position (GRCh38, 1-based): chr7:37,850,736, G>A. VCF-style: chr7-37850736-G-A. GRCh37 (hg19) VCF-style: chr7-37890338-G-A.
Identifiers: ClinVar variation 3703445 (VCV003703445.2).

ClinVar aggregate classification (germline): Conflicting classifications of pathogenicity. Review status: criteria provided, conflicting classifications (1 of 4 stars). 2 submissions from 2 submitters: Likely pathogenic (1); Uncertain significance (1). Last evaluated 2025-09-15.

Conditions:
Primary ciliary dyskinesia 6. Also called: Primary Ciliary Dyskinesia 6: TXNDC3-Related Primary Ciliary Dyskinesia. Identifiers: Orphanet 244, MedGen C1970506, MONDO:0012571, OMIM 610852.

gnomAD v4.1: 23 of 1,603,116 alleles (0.0014%); highest among the groups gnomAD compares: East Asian, 0.0045%; no homozygotes.

Submissions (2):

First Genomix Gene Laboratory, Genetic Diagnostics Department
Classification: Likely pathogenic for Primary ciliary dyskinesia 6. Last evaluated: 2025-09-15. Review status: criteria provided, single submitter. Criteria: ACMG Guidelines, 2015. Collection method: clinical testing. Allele origin: germline. Inheritance: Autosomal recessive inheritance. Affected: no. Observed: 1 variant allele.

Labcorp Genetics (formerly Invitae), Labcorp
Classification: Uncertain significance for Primary ciliary dyskinesia 6. Last evaluated: 2024-01-22. Review status: criteria provided, single submitter. Criteria: Invitae Variant Classification Sherloc (09022015). Collection method: clinical testing. Allele origin: germline.
Comment: This sequence change affects a donor splice site in intron 5 of the NME8 gene. It is expected to disrupt RNA splicing. Variants that disrupt the donor or acceptor splice site typically lead to a loss of protein function (PMID: 16199547), however the current clinical and genetic evidence is not sufficient to establish whether loss-of-function variants in NME8 cause disease. This variant is present in population databases (rs768239983, gnomAD 0.004%). This variant has not been reported in the literature in individuals affected with NME8-related conditions. Algorithms developed to predict the effect of sequence changes on RNA splicing suggest that this variant may disrupt the consensus splice site. In summary, the available evidence is currently insufficient to determine the role of this variant in disease. Therefore, it has been classified as a Variant of Uncertain Significance.

Literature cited by the submitters: PubMed 16199547 (cited by Labcorp Genetics (formerly Invitae), Labcorp).